The following is an entry in ClinVar:

NM_001243925.2(MAPKAPK3):c.219+10C>G

Gene: MAPKAPK3 (MAPK activated protein kinase 3; plus strand). Cytogenetic location: 3p21.2.
Variant type: single nucleotide variant.
Coding change: c.219+10C>G on transcript NM_001243925.2 (MANE Select); 10 bases into the intron after coding-DNA position 219, C replaced by G.
Molecular consequence: intron variant.
Genome position (GRCh38, 1-based): chr3:50,617,794, C>G. VCF-style: chr3-50617794-C-G. GRCh37 (hg19) VCF-style: chr3-50655225-C-G.
Other names: c.219+10C>G (NM_001243926.1, NM_001243926.2, NM_004635.5).
Identifiers: ClinVar variation 1907956 (VCV001907956.7), dbSNP rs751303152, ClinGen allele CA2420180.

ClinVar aggregate classification (germline): Likely benign. Review status: criteria provided, single submitter (1 of 4 stars). 2 submissions from 2 submitters: Likely benign (1). 1 of the submissions does not count toward it. Last evaluated 2021-12-19.

Conditions:
MAPKAPK3-related disorder. Also called: MAPKAPK3-related condition.

Allele frequency attached by ClinVar (database versions not stated): ExAC 0.00002.
gnomAD v4.1: 4 of 1,601,896 alleles (0.00025%); highest among the groups gnomAD compares: Middle Eastern, 0.017%; no homozygotes.

Submissions (2):

Labcorp Genetics (formerly Invitae), Labcorp
Classification: Likely benign. Last evaluated: 2021-12-19. Review status: criteria provided, single submitter. Criteria: Invitae Variant Classification Sherloc (09022015). Collection method: clinical testing. Allele origin: germline.

PreventionGenetics, part of Exact Sciences
Classification: Likely benign for MAPKAPK3-related condition. Last evaluated: 2019-06-13. Review status: no assertion criteria provided. Collection method: clinical testing. Allele origin: germline. Not counted in ClinVar's aggregate classification.
Comment: This variant is classified as likely benign based on ACMG/AMP sequence variant interpretation guidelines (Richards et al. 2015 PMID: 25741868, with internal and published modifications).